The following is an entry in ClinVar:

ClinVar aggregate classification (germline): Uncertain significance (1 of 4 stars; one submission).

gnomAD v4.1: 3 of 1,613,172 alleles (0.00019%); highest among the groups gnomAD compares: Non-Finnish European, 0.00025%; no homozygotes.

Submission:

Ambry Genetics
Classification: Uncertain significance. Last evaluated: 2025-03-14. Review status: criteria provided, single submitter. Criteria: Ambry Variant Classification Scheme 2023. Collection method: clinical testing. Allele origin: germline.
Comment: The p.S838L variant (also known as c.2513C>T), located in coding exon 6 of the CDK12 gene, results from a C to T substitution at nucleotide position 2513. The serine at codon 838 is replaced by leucine, an amino acid with dissimilar properties. This amino acid position is conserved. In addition, this alteration is predicted to be deleterious by in silico analysis. Based on the available evidence, the clinical significance of this variant remains unclear.

NM_016507.4(CDK12):c.2513C>T (p.Ser838Leu)

Gene: CDK12 (cyclin dependent kinase 12; plus strand). Cytogenetic location: 17q12.
Variant type: single nucleotide variant.
Coding change: c.2513C>T on transcript NM_016507.4 (MANE Select); coding-DNA position 2513, C replaced by T.
Protein change: p.Ser838Leu; replaces serine 838 with leucine.
Molecular consequence: missense variant.
Genome position (GRCh38, 1-based): chr17:39,501,343, C>T. VCF-style: chr17-39501343-C-T. GRCh37 (hg19) VCF-style: chr17-37657596-C-T.
Other names: c.2513C>T, p.Ser838Leu (NM_015083.4); short protein forms S838L.
Identifiers: ClinVar variation 3830794 (VCV003830794.1).
Genomic context (GRCh38, chr17:39,501,343, plus strand): 5'-ATGACTTAATGGGACTGCTAGAATCTGGTTTGGTGCACTTTTCTGAGGACCATATCAAGT[C>T]GTTCATGAAACAGCTAATGGAAGGATTGGAATACTGTCACAAAAAGAATTTCCTGCATCG-3'
Protein context (NP_057591.2, residues 828-848): LVHFSEDHIK[Ser838Leu]FMKQLMEGLE